The following is an entry in ClinVar:

NM_014855.3(AP5Z1):c.*1594C>A

Gene: AP5Z1 (adaptor related protein complex 5 subunit zeta 1; plus strand). Cytogenetic location: 7p22.1.
Variant type: single nucleotide variant.
Coding change: c.*1594C>A on transcript NM_014855.3 (MANE Select); 1594 bases downstream of the stop codon, C replaced by A.
Molecular consequence: 3 prime UTR variant. On other transcripts: non-coding transcript variant (1).
Genome position (GRCh38, 1-based): chr7:4,792,979, C>A. VCF-style: chr7-4792979-C-A. GRCh37 (hg19) VCF-style: chr7-4832610-C-A.
Other names: c.*1594C>A (NM_001364858.1).
Identifiers: ClinVar variation 910152 (VCV000910152.7), dbSNP rs138654444, ClinGen allele CA153039627.

ClinVar aggregate classification (germline): Conflicting classifications of pathogenicity. Review status: criteria provided, conflicting classifications (1 of 4 stars). 2 submissions from 2 submitters: Uncertain significance (1); Benign (1). Last evaluated 2017-04-27.

Conditions:
Hereditary spastic paraplegia. Also called: Familial spastic paraparesis. Identifiers: Orphanet 685, MedGen C0037773, MONDO:0019064. Disease mechanism: loss of function.
Hereditary spastic paraplegia 48. Also called: Spastic paraplegia 48; SPASTIC PARAPLEGIA 48, AUTOSOMAL RECESSIVE. Identifiers: Orphanet 306511, MedGen C3150901, MONDO:0013342, OMIM 613647.

Allele frequency attached by ClinVar (database versions not stated): 1000 Genomes Project 0.01238; 1000 Genomes Project 30x 0.01343; gnomAD 0.01555 and 0.01586; TOPMed 0.01718; gnomAD exomes 0.03771.
gnomAD v4.1: 2,812 of 162,454 alleles (1.7%); highest among the groups gnomAD compares: Middle Eastern, 6.5%; 48 homozygotes.

Submissions (2):

Illumina Laboratory Services, Illumina
Classification: Benign for Hereditary spastic paraplegia 48. Last evaluated: 2017-04-27. Review status: criteria provided, single submitter. Criteria: ICSL Variant Classification Criteria 13 December 2019. Collection method: clinical testing. Allele origin: germline.
Comment: This variant was observed as part of a predisposition screen in an ostensibly healthy population. A literature search was performed for the gene, cDNA change, and amino acid change (where applicable). No publications were found based on this search. Allele frequency data from public databases was too high to be consistent with this variant causing disease. Therefore, this variant is classified as benign.

Genome Diagnostics Laboratory, The Hospital for Sick Children
Classification: Uncertain significance for Hereditary spastic paraplegia. Last evaluated: 2016-12-22. Review status: criteria provided, single submitter. Criteria: ACMG Guidelines, 2015. Collection method: clinical testing. Allele origin: germline. Affected: yes.